The following is an entry in ClinVar:

NM_001844.5(COL2A1):c.4074+12G>T

Gene: COL2A1 (collagen type II alpha 1 chain; minus strand). Cytogenetic location: 12q13.11.
Variant type: single nucleotide variant.
Coding change: c.4074+12G>T on transcript NM_001844.5 (MANE Select); 12 bases into the intron after coding-DNA position 4074, G replaced by T.
Molecular consequence: intron variant.
Genome position (GRCh38, 1-based): chr12:47,974,663, C>A on the plus strand (G>T on the coding strand, the complement: COL2A1 is on the minus strand). VCF-style: chr12-47974663-C-A. GRCh37 (hg19) VCF-style: chr12-48368446-C-A.
Other names: c.3867+12G>T (NM_033150.3).
Identifiers: ClinVar variation 881561 (VCV000881561.21), dbSNP rs201312340, ClinGen allele CA6534567.
Genomic context (GRCh38, chr12:47,974,663, plus strand): 5'-TTCCAGGGAGAAAGAAAAGAAAGAGTTTGAGGAGCCATCTCTGCTCATCATCTAGGGCAC[C>A]CAGGTACTCACATGGAAGCCACCATTGATGGTTTCTCCAAACCAGATGTGTTTCTTCTCC-3'

ClinVar aggregate classification (germline): Conflicting classifications of pathogenicity. Review status: criteria provided, conflicting classifications (1 of 4 stars). 5 submissions from 4 submitters: Uncertain significance (1); Benign (1); Likely benign (3). Last evaluated 2026-01-13.

Conditions:
Type 2 collagenopathy. Identifiers: Orphanet 93421, MedGen C2931073, MONDO:0022800.
Stickler syndrome type 1 (STL1). Also called: COL2A1-Related Stickler Syndrome; STICKLER SYNDROME, MEMBRANOUS VITREOUS TYPE; STICKLER SYNDROME, VITREOUS TYPE 1; ARTHROOPHTHALMOPATHY, HEREDITARY PROGRESSIVE. Identifiers: Orphanet 828, Orphanet 90653, MedGen C2020284, MONDO:0007160, OMIM 108300.

Allele frequency attached by ClinVar (database versions not stated): gnomAD exomes 0.00005 and 0.00011; ExAC 0.00015; ESP Exome Variant Server 0.00031; gnomAD 0.00046 and 0.00049; TOPMed 0.00050; 1000 Genomes Project 30x 0.00078; 1000 Genomes Project 0.00080.
gnomAD v4.1: 148 of 1,613,968 alleles (0.0092%); highest among the groups gnomAD compares: African/African-American, 0.18%; 2 homozygotes.

Submissions (5):

Labcorp Genetics (formerly Invitae), Labcorp
Classification: Likely benign. Last evaluated: 2026-01-13. Review status: criteria provided, single submitter. Criteria: Invitae Variant Classification Sherloc (09022015). Collection method: clinical testing. Allele origin: germline.

ARUP Laboratories, Molecular Genetics and Genomics, ARUP Laboratories
Classification: Likely benign. Last evaluated: 2025-02-11. Review status: criteria provided, single submitter. Criteria: ARUP Molecular Germline Variant Investigation Process 2024. Collection method: clinical testing. Allele origin: germline.

Blueprint Genetics
Classification: Likely benign. Last evaluated: 2024-09-13. Review status: criteria provided, single submitter. Criteria: ACMG Guidelines, 2015. Collection method: clinical testing. Allele origin: germline.

Illumina Laboratory Services, Illumina
Classification: Uncertain significance for Stickler syndrome type 1. Last evaluated: 2018-01-13. Review status: criteria provided, single submitter. Criteria: ICSL Variant Classification Criteria 13 December 2019. Collection method: clinical testing. Allele origin: germline.

Illumina Laboratory Services, Illumina
Classification: Benign for Type II Collagenopathies. Last evaluated: 2018-01-13. Review status: criteria provided, single submitter. Criteria: ICSL Variant Classification Criteria 13 December 2019. Collection method: clinical testing. Allele origin: germline.
Comment: This variant was observed in the ICSL laboratory as part of a predisposition screen in an ostensibly healthy population. It had not been previously curated by ICSL or reported in the Human Gene Mutation Database (HGMD: prior to June 1st, 2018), and was therefore a candidate for classification through an automated scoring system. Utilizing variant allele frequency, disease prevalence and penetrance estimates, and inheritance mode, an automated score was calculated to assess if this variant is too frequent to cause the disease. Based on the score and internal cut-off values, a variant classified as benign is not then subjected to further curation. The score for this variant resulted in a classification of benign for this disease.